The following is an entry in ClinVar:

ClinVar aggregate classification (germline): Uncertain significance (1 of 4 stars; one submission).

Allele frequency attached by ClinVar (database versions not stated): gnomAD exomes 0.00001; ExAC 0.00004.
gnomAD v4.1: 8 of 1,613,538 alleles (0.0005%); highest among the groups gnomAD compares: East Asian, 0.018%; no homozygotes.

Submission:

Labcorp Genetics (formerly Invitae), Labcorp
Classification: Uncertain significance. Last evaluated: 2025-12-15. Review status: criteria provided, single submitter. Criteria: Invitae Variant Classification Sherloc (09022015). Collection method: clinical testing. Allele origin: germline.
Comment: This sequence change replaces proline, which is neutral and non-polar, with alanine, which is neutral and non-polar, at codon 91 of the MYLK3 protein (p.Pro91Ala). This variant is present in population databases (rs753345905, gnomAD 0.03%). This variant has not been reported in the literature in individuals affected with MYLK3-related conditions. ClinVar contains an entry for this variant (Variation ID: 1904904). An algorithm developed to predict the effect of missense changes on protein structure and function (PolyPhen-2) suggests that this variant is likely to be disruptive. In summary, the available evidence is currently insufficient to determine the role of this variant in disease. Therefore, it has been classified as a Variant of Uncertain Significance.

NM_182493.3(MYLK3):c.271C>G (p.Pro91Ala)

Gene: MYLK3 (myosin light chain kinase 3; minus strand). Cytogenetic location: 16q11.2.
Variant type: single nucleotide variant.
Coding change: c.271C>G on transcript NM_182493.3 (MANE Select); coding-DNA position 271, C replaced by G.
Protein change: p.Pro91Ala; replaces proline 91 with alanine.
Molecular consequence: missense variant. On other transcripts: intron variant (1).
Genome position (GRCh38, 1-based): chr16:46,747,923, G>C on the plus strand (C>G on the coding strand, the complement: MYLK3 is on the minus strand). VCF-style: chr16-46747923-G-C. GRCh37 (hg19) VCF-style: chr16-46781835-G-C.
Other names: c.-113-7776C>G (NM_001308301.1); short protein forms P91A.
Identifiers: ClinVar variation 1904904 (VCV001904904.5), dbSNP rs753345905, ClinGen allele CA8038289.